The following is an entry in ClinVar:

NM_001903.5(CTNNA1):c.1994C>T (p.Ala665Val)

Gene: CTNNA1 (catenin alpha 1; plus strand). Cytogenetic location: 5q31.2.
Variant type: single nucleotide variant.
Coding change: c.1994C>T on transcript NM_001903.5 (MANE Select); coding-DNA position 1994, C replaced by T.
Protein change: p.Ala665Val; replaces alanine 665 with valine.
Molecular consequence: missense variant.
Genome position (GRCh38, 1-based): chr5:138,929,340, C>T. VCF-style: chr5-138929340-C-T. GRCh37 (hg19) VCF-style: chr5-138265029-C-T.
Other names: c.884C>T, p.Ala295Val (NM_001323993.1, NM_001323994.1, NM_001323995.1 and 17 more transcripts); c.1994C>T, p.Ala665Val (NM_001290307.3, NM_001323982.2, NM_001323983.1 and 2 more transcripts); c.1685C>T, p.Ala562Val (NM_001290309.3); c.1625C>T, p.Ala542Val (NM_001290310.3); c.1901C>T, p.Ala634Val (NM_001323986.2); c.545C>T, p.Ala182Val (NM_001324006.1, NM_001324007.1, NM_001324008.1 and 2 more transcripts); c.791C>T, p.Ala264Val (NM_001324011.1); c.641C>T, p.Ala214Val (NM_001324012.1, NM_001324013.1); short protein forms A295V, A214V, A542V, A182V, A562V, A634V, A665V, A264V.
Identifiers: ClinVar variation 820466 (VCV000820466.4), dbSNP rs1580896544, ClinGen allele CA361132913.

ClinVar aggregate classification (germline): Uncertain significance (1 of 4 stars; one submission).

Conditions:
Hereditary cancer-predisposing syndrome. Also called: Neoplastic Syndromes, Hereditary; Tumor predisposition; Hereditary Cancer Syndrome; Hereditary neoplastic syndrome. Identifiers: Orphanet 140162, MedGen C0027672, MeSH D009386, MONDO:0015356.

Submission:

Ambry Genetics
Classification: Uncertain significance for Hereditary cancer-predisposing syndrome. Last evaluated: 2019-04-22. Review status: criteria provided, single submitter. Criteria: Ambry Variant Classification Scheme 2023. Collection method: clinical testing. Allele origin: germline.
Comment: The p.A665V variant (also known as c.1994C>T), located in coding exon 13 of the CTNNA1 gene, results from a C to T substitution at nucleotide position 1994. The alanine at codon 665 is replaced by valine, an amino acid with similar properties. This amino acid position is highly conserved in available vertebrate species. In addition, this alteration is predicted to be tolerated by in silico analysis. Since supporting evidence is limited at this time, the clinical significance of this alteration remains unclear.